The following is an entry in ClinVar:

ClinVar aggregate classification (germline): Uncertain significance (1 of 4 stars; one submission).

Conditions:
Familial thoracic aortic aneurysm and aortic dissection (TAAD). Also called: Thoracic aortic aneurysms and dissections. Identifiers: Orphanet 91387, MedGen C4707243, MONDO:0019625.

gnomAD v4.1: 1 of 1,599,900 alleles (0.000063%); highest among the groups gnomAD compares: Non-Finnish European, 0.000085%; no homozygotes.

Submission:

Labcorp Genetics (formerly Invitae), Labcorp
Classification: Uncertain significance for Familial thoracic aortic aneurysm and aortic dissection. Last evaluated: 2024-10-16. Review status: criteria provided, single submitter. Criteria: Invitae Variant Classification Sherloc (09022015). Collection method: clinical testing. Allele origin: germline.
Comment: This sequence change replaces isoleucine, which is neutral and non-polar, with leucine, which is neutral and non-polar, at codon 14 of the TGFBR2 protein (p.Ile14Leu). This variant is not present in population databases (gnomAD no frequency). This variant has not been reported in the literature in individuals affected with TGFBR2-related conditions. Invitae Evidence Modeling of protein sequence and biophysical properties (such as structural, functional, and spatial information, amino acid conservation, physicochemical variation, residue mobility, and thermodynamic stability) indicates that this missense variant is not expected to disrupt TGFBR2 protein function with a negative predictive value of 95%. In summary, the available evidence is currently insufficient to determine the role of this variant in disease. Therefore, it has been classified as a Variant of Uncertain Significance.

NM_003242.6(TGFBR2):c.40A>C (p.Ile14Leu)

Gene: TGFBR2 (transforming growth factor beta receptor 2; plus strand). Cytogenetic location: 3p24.1.
Variant type: single nucleotide variant.
Coding change: c.40A>C on transcript NM_003242.6 (MANE Select); coding-DNA position 40, A replaced by C.
Protein change: p.Ile14Leu; replaces isoleucine 14 with leucine.
Molecular consequence: missense variant. On other transcripts: 5 prime UTR variant (4), intron variant (2).
Genome position (GRCh38, 1-based): chr3:30,606,923, A>C. VCF-style: chr3-30606923-A-C. GRCh37 (hg19) VCF-style: chr3-30648415-A-C.
Other names: c.40A>C, p.Ile14Leu (NM_001024847.3, NM_001407126.1, NM_001407127.1 and 4 more transcripts); c.-244A>C (NM_001407133.1); c.-122A>C (NM_001407134.1); c.-169A>C (NM_001407135.1); c.-254A>C (NM_001407136.1); c.-12+330A>C (NM_001407132.1, NM_001407129.1); short protein forms I14L.
Identifiers: ClinVar variation 3668043 (VCV003668043.2).
Genomic context (GRCh38, chr3:30,606,923, plus strand): 5'-TGACGAGCAGCGGGGTCTGCCATGGGTCGGGGGCTGCTCAGGGGCCTGTGGCCGCTGCAC[A>C]TCGTCCTGTGGACGCGTATCGCCAGCACGATCCCACCGCACGTTCAGAAGTCGGGTGAGT-3'
Protein context (NP_003233.4, residues 4-24): GLLRGLWPLH[Ile14Leu]VLWTRIASTI